The following is an entry in ClinVar:

NM_178857.6(RP1L1):c.4610C>T (p.Ala1537Val)

Gene: RP1L1 (RP1 like 1). Cytogenetic location: 8p23.1.
Variant type: single nucleotide variant.
Coding change: c.4610C>T on transcript NM_178857.6 (MANE Select); coding-DNA position 4610, C replaced by T.
Protein change: p.Ala1537Val; replaces alanine 1537 with valine.
Molecular consequence: missense variant.
Genome position (GRCh38, 1-based): chr8:10,609,488, G>A on the plus strand (C>T on the coding strand, the complement: RP1L1 is on the minus strand). VCF-style: chr8-10609488-G-A. GRCh37 (hg19) VCF-style: chr8-10466998-G-A.
Other names: short protein forms A1537V.
Identifiers: ClinVar variation 361272 (VCV000361272.10), dbSNP rs375128393, ClinGen allele CA4623960.

ClinVar aggregate classification (germline): Uncertain significance. Review status: criteria provided, multiple submitters, no conflicts (2 of 4 stars). 6 submissions from 6 submitters: Uncertain significance (5). 1 of the submissions does not count toward it. Last evaluated 2026-06-18.

Conditions:
Inborn genetic diseases. Identifiers: MedGen C0950123, MeSH D030342.
Occult macular dystrophy (OCMD). Also called: OCCULT MACULAR DYSTROPHY, SUSCEPTIBILITY TO; OMD. Identifiers: Orphanet 247834, MedGen C3150833, MONDO:0013316, OMIM 613587, HP:0030636.
Retinal dystrophy. Also called: Inherited retinal dystrophy. Identifiers: Orphanet 71862, MedGen C0854723, MeSH D058499, MONDO:0019118, HP:0000556.
RP1L1-related disorder. Also called: RP1L1-related condition.

Allele frequency attached by ClinVar (database versions not stated): gnomAD 0.00006; TOPMed 0.00006; ESP Exome Variant Server 0.00008.
gnomAD v4.1: 52 of 1,611,232 alleles (0.0032%); highest among the groups gnomAD compares: Middle Eastern, 0.033%; no homozygotes.

Submissions (6):

PreventionGenetics, part of Exact Sciences
Classification: Uncertain significance for RP1L1-related condition. Last evaluated: 2026-06-18. Review status: criteria provided, single submitter. Criteria: ACMG Guidelines, 2015. Collection method: clinical testing. Allele origin: germline.
Comment: The RP1L1 c.4610C>T variant is predicted to result in the amino acid substitution p.Ala1537Val. To our knowledge, this variant has not been reported in the literature. This variant is reported in 0.013% of alleles in individuals of African descent in gnomAD. At this time, the clinical significance of this variant is uncertain due to the absence of conclusive functional and genetic evidence.

Blueprint Genetics
Classification: Uncertain significance. Last evaluated: 2024-07-22. Review status: criteria provided, single submitter. Criteria: ACMG Guidelines, 2015. Collection method: clinical testing. Allele origin: germline.

Ambry Genetics
Classification: Uncertain significance for Inborn genetic diseases. Last evaluated: 2023-09-20. Review status: criteria provided, single submitter. Criteria: Ambry Variant Classification Scheme 2023. Collection method: clinical testing. Allele origin: germline.

Illumina Laboratory Services, Illumina
Classification: Uncertain significance for Occult macular dystrophy. Last evaluated: 2018-01-13. Review status: criteria provided, single submitter. Criteria: ICSL Variant Classification Criteria 13 December 2019. Collection method: clinical testing. Allele origin: germline.

Breakthrough Genomics
Classification: Uncertain significance. Review status: criteria provided, single submitter. Criteria: ACMG Guidelines, 2015. Collection method: not provided. Allele origin: germline. Inheritance: Autosomal recessive inheritance. Affected: yes.

Institute of Human Genetics, Univ. Regensburg, Univ. Regensburg
Classification: Uncertain significance for Retinal dystrophy. Last evaluated: 2022-01-01. Review status: no assertion criteria provided. Criteria: ACMG Guidelines, 2015. Collection method: clinical testing. Allele origin: germline. Affected: yes. Not counted in ClinVar's aggregate classification.